The following is an entry in ClinVar:

ClinVar aggregate classification (germline): Uncertain significance (1 of 4 stars; one submission).

Submission:

Labcorp Genetics (formerly Invitae), Labcorp
Classification: Uncertain significance. Last evaluated: 2022-09-06. Review status: criteria provided, single submitter. Criteria: Invitae Variant Classification Sherloc (09022015). Collection method: clinical testing. Allele origin: germline.
Comment: In summary, the available evidence is currently insufficient to determine the role of this variant in disease. Therefore, it has been classified as a Variant of Uncertain Significance. Algorithms developed to predict the effect of missense changes on protein structure and function are either unavailable or do not agree on the potential impact of this missense change (SIFT: "Deleterious"; PolyPhen-2: "Probably Damaging"; Align-GVGD: "Class C0"). ClinVar contains an entry for this variant (Variation ID: 972325). This variant has not been reported in the literature in individuals affected with EYS-related conditions. This variant is not present in population databases (gnomAD no frequency). This sequence change replaces serine, which is neutral and polar, with cysteine, which is neutral and slightly polar, at codon 2751 of the EYS protein (p.Ser2751Cys).

NM_001142800.2(EYS):c.8252C>G (p.Ser2751Cys)

Genes: EYS (EGF-like photoreceptor maintenance factor; minus strand), PHF3 (PHD finger protein 3; plus strand). Cytogenetic location: 6q12.
Variant type: single nucleotide variant.
Coding change: c.8252C>G on transcript NM_001142800.2 (MANE Select); coding-DNA position 8252, C replaced by G.
Protein change: p.Ser2751Cys; replaces serine 2751 with cysteine.
Molecular consequence: missense variant. On other transcripts: 3 prime UTR variant (5).
Genome position (GRCh38, 1-based): chr6:63,721,779, G>C on the plus strand (C>G on the coding strand, the complement: EYS is on the minus strand). VCF-style: chr6-63721779-G-C. GRCh37 (hg19) VCF-style: chr6-64431675-G-C.
Other names: c.*8071G>C (NM_001290259.2, NM_001370348.2, NM_001370349.2 and 2 more transcripts); c.8315C>G, p.Ser2772Cys (NM_001292009.2); short protein forms S2751C, S2772C.
Identifiers: ClinVar variation 972325 (VCV000972325.9), dbSNP rs1561994441, ClinGen allele CA364385402.
Genomic context (GRCh38, chr6:63,721,779, plus strand): 5'-TCTAGAATGATAGTTCTGTCGCCAAGGTTGTAGCGAAGTTGAACGGAACTATTTACTAAA[G>C]AGATGCATAAAAAATCACCTGCAAGAAAGCAAACAGTAAGTTTGATTAGCAACAGTAAAA-3'
Protein context (NP_001136272.1, residues 2741-2761): KAQSGDFLCI[Ser2751Cys]LVNSSVQLRY